The following is an entry in ClinVar:

ClinVar aggregate classification (germline): Uncertain significance (1 of 4 stars; one submission).

Submission:

Labcorp Genetics (formerly Invitae), Labcorp
Classification: Uncertain significance. Last evaluated: 2024-11-16. Review status: criteria provided, single submitter. Criteria: Invitae Variant Classification Sherloc (09022015). Collection method: clinical testing. Allele origin: germline.
Comment: This sequence change replaces alanine, which is neutral and non-polar, with valine, which is neutral and non-polar, at codon 1138 of the PRPF8 protein (p.Ala1138Val). This variant is not present in population databases (gnomAD no frequency). This variant has not been reported in the literature in individuals affected with PRPF8-related conditions. Invitae Evidence Modeling of protein sequence and biophysical properties (such as structural, functional, and spatial information, amino acid conservation, physicochemical variation, residue mobility, and thermodynamic stability) indicates that this missense variant is not expected to disrupt PRPF8 protein function with a negative predictive value of 80%. In summary, the available evidence is currently insufficient to determine the role of this variant in disease. Therefore, it has been classified as a Variant of Uncertain Significance.

NM_006445.4(PRPF8):c.3413C>T (p.Ala1138Val)

Gene: PRPF8 (pre-mRNA processing factor 8; minus strand). Cytogenetic location: 17p13.3.
Variant type: single nucleotide variant.
Coding change: c.3413C>T on transcript NM_006445.4 (MANE Select); coding-DNA position 3413, C replaced by T.
Protein change: p.Ala1138Val; replaces alanine 1138 with valine.
Molecular consequence: missense variant.
Genome position (GRCh38, 1-based): chr17:1,673,779, G>A on the plus strand (C>T on the coding strand, the complement: PRPF8 is on the minus strand). VCF-style: chr17-1673779-G-A. GRCh37 (hg19) VCF-style: chr17-1577073-G-A.
Other names: short protein forms A1138V.
Identifiers: ClinVar variation 3666786 (VCV003666786.2).